The following is an entry in ClinVar:

ClinVar aggregate classification (germline): Conflicting classifications of pathogenicity. Review status: criteria provided, conflicting classifications (1 of 4 stars). 9 submissions from 9 submitters: Uncertain significance (1); Benign (2); Likely benign (4). 2 of the submissions do not count toward it. Last evaluated 2026-01-17.

Conditions:
Inborn genetic diseases. Identifiers: MedGen C0950123, MeSH D030342.
Cardiomyopathy (CMYO). Also called: Cardiomyopathies. Identifiers: Orphanet 167848, MedGen C0878544, MONDO:0004994, HP:0001638. Inheritance: Various modes of inheritance.
Autosomal recessive limb-girdle muscular dystrophy type 2F (LGMDR6). Also called: MUSCULAR DYSTROPHY, LIMB-GIRDLE, AUTOSOMAL RECESSIVE 6; Muscular dystrophy limb-girdle with delta-sarcoglyan deficiency. Identifiers: Orphanet 219, MedGen C1832525, MONDO:0011028, OMIM 601287. Disease mechanism: Affects gamma-sarcoglycan and also disrupts the integrity of the entire sarcoglycan complex..

Allele frequency attached by ClinVar (database versions not stated): gnomAD exomes 0.00005 and 0.00020; gnomAD 0.00007 and 0.00010; 1000 Genomes Project 30x 0.00078; 1000 Genomes Project 0.00100; TOPMed 0.00014; ExAC 0.00018.
gnomAD v4.1: 109 of 1,609,710 alleles (0.0068%); highest among the groups gnomAD compares: East Asian, 0.15%; no homozygotes.

Submissions (9):

Labcorp Genetics (formerly Invitae), Labcorp
Classification: Likely benign for Autosomal recessive limb-girdle muscular dystrophy type 2F. Last evaluated: 2026-01-17. Review status: criteria provided, single submitter. Criteria: Invitae Variant Classification Sherloc (09022015). Collection method: clinical testing. Allele origin: germline.

Blueprint Genetics
Classification: Likely benign. Last evaluated: 2024-11-14. Review status: criteria provided, single submitter. Criteria: ACMG Guidelines, 2015. Collection method: clinical testing. Allele origin: germline.

Ambry Genetics
Classification: Likely benign for Inborn genetic diseases. Last evaluated: 2023-01-30. Review status: criteria provided, single submitter. Criteria: Ambry Variant Classification Scheme 2023. Collection method: clinical testing. Allele origin: germline.

Women's Health and Genetics/Laboratory Corporation of America, LabCorp
Classification: Benign. Last evaluated: 2021-04-15. Review status: criteria provided, single submitter. Criteria: LabCorp Variant Classification Summary - May 2015. Collection method: clinical testing. Allele origin: germline.

CHEO Genetics Diagnostic Laboratory, Children's Hospital of Eastern Ontario
Classification: Likely benign for Cardiomyopathy. Last evaluated: 2017-03-20. Review status: criteria provided, single submitter. Criteria: ACMG Guidelines, 2015. Collection method: clinical testing. Allele origin: germline. Study: Canadian Open Genetics Repository.

Eurofins Ntd Llc (ga)
Classification: Uncertain significance. Last evaluated: 2016-01-18. Review status: criteria provided, single submitter. Criteria: EGL Classification Definitions 2015. Collection method: clinical testing. Allele origin: germline. Observed: 1 variant allele, 1 heterozygote.

GeneDx
Classification: Benign. Last evaluated: 2014-08-27. Review status: criteria provided, single submitter. Criteria: GeneDx Variant Classification (06012015). Collection method: clinical testing. Allele origin: germline. Affected: yes.
Comment: This variant is considered likely benign or benign based on one or more of the following criteria: it is a conservative change, it occurs at a poorly conserved position in the protein, it is predicted to be benign by multiple in silico algorithms, and/or has population frequency not consistent with disease.

Clinical Genetics, Academic Medical Center
Classification: Benign. Review status: no assertion criteria provided. Collection method: clinical testing. Allele origin: germline. Affected: yes. Study: VKGL Data-share Consensus. Not counted in ClinVar's aggregate classification.

Genome Diagnostics Laboratory, University Medical Center Utrecht
Classification: Likely benign. Review status: no assertion criteria provided. Collection method: clinical testing. Allele origin: germline. Affected: yes. Study: VKGL Data-share Consensus. Not counted in ClinVar's aggregate classification.

NM_000337.6(SGCD):c.402T>C (p.Ala134=)

Gene: SGCD (sarcoglycan delta; plus strand). Cytogenetic location: 5q33.3.
Variant type: single nucleotide variant.
Coding change: c.402T>C on transcript NM_000337.6 (MANE Select); coding-DNA position 402, T replaced by C.
Protein change: p.Ala134=; no amino-acid change (alanine 134 retained).
Molecular consequence: synonymous variant.
Genome position (GRCh38, 1-based): chr5:156,594,951, T>C. VCF-style: chr5-156594951-T-C. GRCh37 (hg19) VCF-style: chr5-156021961-T-C.
Other names: p.A134A:GCT>GCC; c.399T>C, p.Ala133= (NM_001128209.2); c.402T>C, p.Ala134= (NM_172244.3).
Identifiers: ClinVar variation 202084 (VCV000202084.25), dbSNP rs190935424, ClinGen allele CA308776.